The following is an entry in ClinVar:

NM_017636.4(TRPM4):c.969T>A (p.Ser323Arg)

Gene: TRPM4 (transient receptor potential cation channel subfamily M member 4; plus strand). Cytogenetic location: 19q13.33.
Variant type: single nucleotide variant.
Coding change: c.969T>A on transcript NM_017636.4 (MANE Select); coding-DNA position 969, T replaced by A.
Protein change: p.Ser323Arg; replaces serine 323 with arginine.
Molecular consequence: missense variant. On other transcripts: 5 prime UTR variant (1).
Genome position (GRCh38, 1-based): chr19:49,171,688, T>A. VCF-style: chr19-49171688-T-A. GRCh37 (hg19) VCF-style: chr19-49674945-T-A.
Other names: c.969T>A, p.Ser323Arg (NM_001195227.2); c.624T>A, p.Ser208Arg (NM_001321281.2); c.-585T>A (NM_001321282.2); c.447T>A, p.Ser149Arg (NM_001321283.2); c.120T>A, p.Ser40Arg (NM_001321285.2); short protein forms S323R, S208R, S40R, S149R.
Identifiers: ClinVar variation 1372088 (VCV001372088.6), dbSNP rs2122835266, ClinGen allele CA406794188.

ClinVar aggregate classification (germline): Uncertain significance (1 of 4 stars; one submission).

Conditions:
Progressive familial heart block type IB (PFHB1B). Identifiers: Orphanet 871, MedGen C1970298, MONDO:0011474, OMIM 604559.

Submission:

Labcorp Genetics (formerly Invitae), Labcorp
Classification: Uncertain significance for Progressive familial heart block type IB. Last evaluated: 2021-08-03. Review status: criteria provided, single submitter. Criteria: Invitae Variant Classification Sherloc (09022015). Collection method: clinical testing. Allele origin: germline.
Comment: In summary, the available evidence is currently insufficient to determine the role of this variant in disease. Therefore, it has been classified as a Variant of Uncertain Significance. Algorithms developed to predict the effect of missense changes on protein structure and function output the following: SIFT: "Tolerated"; PolyPhen-2: "Benign"; Align-GVGD: "Class C0". The arginine amino acid residue is found in multiple mammalian species, which suggests that this missense change does not adversely affect protein function. This variant has not been reported in the literature in individuals affected with TRPM4-related conditions. This variant is not present in population databases (ExAC no frequency). This sequence change replaces serine with arginine at codon 323 of the TRPM4 protein (p.Ser323Arg). The serine residue is moderately conserved and there is a moderate physicochemical difference between serine and arginine.